The following is an entry in ClinVar:

NM_016222.4(DDX41):c.1657C>A (p.Leu553Ile)

Gene: DDX41 (DEAD-box helicase 41; minus strand). Cytogenetic location: 5q35.3.
Variant type: single nucleotide variant.
Coding change: c.1657C>A on transcript NM_016222.4 (MANE Select); coding-DNA position 1657, C replaced by A.
Protein change: p.Leu553Ile; replaces leucine 553 with isoleucine.
Molecular consequence: missense variant.
Genome position (GRCh38, 1-based): chr5:177,512,171, G>T on the plus strand (C>A on the coding strand, the complement: DDX41 is on the minus strand). VCF-style: chr5-177512171-G-T. GRCh37 (hg19) VCF-style: chr5-176939172-G-T.
Other names: c.1279C>A, p.Leu427Ile (NM_001321732.2, NM_001321830.2); short protein forms L427I, L553I.
Identifiers: ClinVar variation 4869659 (VCV004869659.1).

ClinVar aggregate classification (germline): Uncertain significance (1 of 4 stars; one submission).

Conditions:
Inborn genetic diseases. Identifiers: MedGen C0950123, MeSH D030342.

Submission:

Ambry Genetics
Classification: Uncertain significance for Inborn genetic diseases. Last evaluated: 2026-04-28. Review status: criteria provided, single submitter. Criteria: Ambry Variant Classification Scheme 2023. Collection method: clinical testing. Allele origin: germline.
Comment: The p.L553I variant (also known as c.1657C>A), located in coding exon 16 of the DDX41 gene, results from a C to A substitution at nucleotide position 1657. The leucine at codon 553 is replaced by isoleucine, an amino acid with highly similar properties. This amino acid position is conserved. In addition, this alteration is predicted to be tolerated by in silico analysis. Based on the available evidence, the clinical significance of this variant remains unclear.